The following is an entry in ClinVar:

NM_152381.6(XIRP2):c.4988T>C (p.Ile1663Thr)

Gene: XIRP2 (xin actin binding repeat containing 2; plus strand). Cytogenetic location: 2q24.3.
Variant type: single nucleotide variant.
Coding change: c.4988T>C on transcript NM_152381.6 (MANE Select); coding-DNA position 4988, T replaced by C.
Protein change: p.Ile1663Thr; replaces isoleucine 1663 with threonine.
Molecular consequence: missense variant. On other transcripts: intron variant (3).
Genome position (GRCh38, 1-based): chr2:167,246,380, T>C. VCF-style: chr2-167246380-T-C. GRCh37 (hg19) VCF-style: chr2-168102890-T-C.
Other names: c.4322T>C, p.Ile1441Thr (NM_001199144.2); c.1275+4470T>C (NM_001199143.2); c.1176+4470T>C (NM_001079810.4); c.510+4470T>C (NM_001199145.2); c.4988T>C (NM_152381.5); short protein forms I1663T, I1441T.
Identifiers: ClinVar variation 780361 (VCV000780361.7), dbSNP rs7591107, ClinGen allele CA1947131.

ClinVar aggregate classification (germline): Benign. Review status: criteria provided, multiple submitters, no conflicts (2 of 4 stars). 3 submissions from 3 submitters: Benign (2). 1 of the submissions does not count toward it. Last evaluated 2019-12-31.

Conditions:
XIRP2-related disorder. Also called: XIRP2-related condition.

Allele frequency attached by ClinVar (database versions not stated): ESP Exome Variant Server 0.01237; TOPMed 0.01332; 1000 Genomes Project 0.01358; 1000 Genomes Project 30x 0.01405.
gnomAD v4.1: 3,465 of 1,613,246 alleles (0.21%); highest among the groups gnomAD compares: African/African-American, 4.1%; 82 homozygotes.

Submissions (3):

Labcorp Genetics (formerly Invitae), Labcorp
Classification: Benign. Last evaluated: 2019-12-31. Review status: criteria provided, single submitter. Criteria: Invitae Variant Classification Sherloc (09022015). Collection method: clinical testing. Allele origin: germline.

Breakthrough Genomics
Classification: Benign. Review status: criteria provided, single submitter. Criteria: ACMG Guidelines, 2015. Collection method: not provided. Allele origin: germline. Inheritance: Unknown mechanism. Affected: yes.

PreventionGenetics, part of Exact Sciences
Classification: Benign for XIRP2-related condition. Last evaluated: 2019-04-01. Review status: no assertion criteria provided. Collection method: clinical testing. Allele origin: germline. Not counted in ClinVar's aggregate classification.
Comment: This variant is classified as benign based on ACMG/AMP sequence variant interpretation guidelines (Richards et al. 2015 PMID: 25741868, with internal and published modifications).